The following is an entry in ClinVar:

ClinVar aggregate classification (germline): Uncertain significance. Review status: criteria provided, multiple submitters, no conflicts (2 of 4 stars). 2 submissions from 2 submitters: Uncertain significance (2). Last evaluated 2024-01-07.

Conditions:
Congenital myopathy 18. Also called: DIHYDROPYRIDINE RECEPTOR CONGENITAL MYOPATHY; DHPR CONGENITAL MYOPATHY; Myopathy, congenital, due to dihydropyridine receptor defect. Identifiers: MedGen C5830283, MONDO:0859514, OMIM 620246.
Thyrotoxic periodic paralysis, susceptibility to, 1 (TTPP1). Identifiers: Orphanet 79102, MedGen C2749982, MONDO:0008570, OMIM 188580.
Hypokalemic periodic paralysis, type 1. Also called: Hypokalemic Periodic Paralysis Type 1 (AD); HypoPP. Identifiers: Orphanet 681, MedGen C3714580, MONDO:0042979, OMIM 170400.
Malignant hyperthermia, susceptibility to, 5 (MHS5). Also called: CACNA1S-Related Malignant Hyperthermia Susceptibility. Identifiers: Orphanet 423, MedGen C1866077, MONDO:0011163, OMIM 601887.

Allele frequency attached by ClinVar (database versions not stated): gnomAD 0.00001; TOPMed 0.00001.

Submissions (2):

Fulgent Genetics
Classification: Uncertain significance for Hypokalemic periodic paralysis, type 1; Thyrotoxic periodic paralysis, susceptibility to, 1; Malignant hyperthermia, susceptibility to, 5; Congenital myopathy 18. Last evaluated: 2024-01-07. Review status: criteria provided, single submitter. Criteria: ACMG Guidelines, 2015. Collection method: clinical testing. Allele origin: germline.

All of Us Research Program, National Institutes of Health
Classification: Uncertain significance for Malignant hyperthermia, susceptibility to, 5. Last evaluated: 2023-12-01. Review status: criteria provided, single submitter. Criteria: ACMG Guidelines, 2015. Collection method: clinical testing. Allele origin: germline. Inheritance: Autosomal dominant inheritance. Observed: 2 variant alleles, 2 heterozygotes.
Comment: This study involves interpretation of variants in research participants for the purpose of population health screening. Participant phenotype was not available at the time of variant classification. Additional details can be found in publication PMID: 35346344, PMCID: PMC8962531

NM_000069.3(CACNA1S):c.4678C>G (p.Arg1560Gly)

Gene: CACNA1S (calcium voltage-gated channel subunit alpha1 S; minus strand). Cytogenetic location: 1q32.1.
Variant type: single nucleotide variant.
Coding change: c.4678C>G on transcript NM_000069.3 (MANE Select); coding-DNA position 4678, C replaced by G.
Protein change: p.Arg1560Gly; replaces arginine 1560 with glycine.
Molecular consequence: missense variant.
Genome position (GRCh38, 1-based): chr1:201,044,447, G>C on the plus strand (C>G on the coding strand, the complement: CACNA1S is on the minus strand). VCF-style: chr1-201044447-G-C. GRCh37 (hg19) VCF-style: chr1-201013575-G-C.
Other names: short protein forms R1560G.
Identifiers: ClinVar variation 3069271 (VCV003069271.2), dbSNP rs1173225360, ClinGen allele CA344140220.
Genomic context (GRCh38, chr1:201,044,447, plus strand): 5'-CAGCCAGGTCTCCTGAGACCGTGCGACAGATCTCGGGGGCTGCCTCTTCCTCAATGGTCC[G>C]CAGCCCTGCCTGGGGATGACGAAGGGACTCAGTTATCTCTCCAGCCCAGGAGAGGAGACC-3'
Protein context (NP_000060.2, residues 1550-1570): KDIVQIQAGL[Arg1560Gly]TIEEEAAPEI